The following is an entry in ClinVar:

ClinVar aggregate classification (germline): Conflicting classifications of pathogenicity. Review status: criteria provided, conflicting classifications (1 of 4 stars). 2 submissions from 2 submitters: Uncertain significance (1); Likely benign (1). Last evaluated 2023-03-23.

Conditions:
Hereditary cancer-predisposing syndrome. Also called: Hereditary Cancer Syndrome; Neoplastic Syndromes, Hereditary; Tumor predisposition; Hereditary neoplastic syndrome. Identifiers: Orphanet 140162, MedGen C0027672, MeSH D009386, MONDO:0015356.

Submissions (2):

University of Washington Department of Laboratory Medicine, University of Washington
Classification: Likely benign for Hereditary cancer-predisposing syndrome. Last evaluated: 2023-03-23. Review status: criteria provided, single submitter. Criteria: Dines et al. (Genet Med. 2020). Collection method: curation. Allele origin: germline.
Comment: Missense variant in a coldspot region where missense variants are very unlikely to be pathogenic (PMID:31911673).

BRCA2 exon 11 coldspot. Reclassification based on statistical prior probability.

Ambry Genetics
Classification: Uncertain significance for Hereditary cancer-predisposing syndrome. Last evaluated: 2021-12-20. Review status: criteria provided, single submitter. Criteria: Ambry Variant Classification Scheme 2023. Collection method: clinical testing. Allele origin: germline.
Comment: The p.M1745T variant (also known as c.5234T>C), located in coding exon 10 of the BRCA2 gene, results from a T to C substitution at nucleotide position 5234. The methionine at codon 1745 is replaced by threonine, an amino acid with similar properties. This amino acid position is conserved. In addition, this alteration is predicted to be tolerated by in silico analysis. Since supporting evidence is limited at this time, the clinical significance of this alteration remains unclear.

NM_000059.4(BRCA2):c.5234T>C (p.Met1745Thr)

Gene: BRCA2 (BRCA2 DNA repair associated; plus strand). Cytogenetic location: 13q13.1.
Variant type: single nucleotide variant.
Coding change: c.5234T>C on transcript NM_000059.4 (MANE Select); coding-DNA position 5234, T replaced by C.
Protein change: p.Met1745Thr; replaces methionine 1745 with threonine.
Molecular consequence: missense variant.
Genome position (GRCh38, 1-based): chr13:32,339,589, T>C. VCF-style: chr13-32339589-T-C. GRCh37 (hg19) VCF-style: chr13-32913726-T-C.
Other names: c.5234T>C, p.Met1745Thr (NM_001406719.1, NM_001406720.1); short protein forms M1745T.
Identifiers: ClinVar variation 1746247 (VCV001746247.4), dbSNP rs2137515418, ClinGen allele CA387784666.